The following is an entry in ClinVar:

ClinVar aggregate classification (germline): Uncertain significance (1 of 4 stars; one submission).

Conditions:
Catecholaminergic polymorphic ventricular tachycardia 1. Also called: VENTRICULAR TACHYCARDIA, CATECHOLAMINERGIC POLYMORPHIC, 1, WITH OR WITHOUT ATRIAL DYSFUNCTION AND/OR DILATED CARDIOMYOPATHY; RYR2-Related Catecholaminergic Polymorphic Ventricular Tachycardia; VENTRICULAR TACHYCARDIA, STRESS-INDUCED POLYMORPHIC 1. Identifiers: Orphanet 3286, MedGen C1631597, MONDO:0011484, OMIM 604772.

Submission:

Labcorp Genetics (formerly Invitae), Labcorp
Classification: Uncertain significance for Catecholaminergic polymorphic ventricular tachycardia 1. Last evaluated: 2025-01-22. Review status: criteria provided, single submitter. Criteria: Invitae Variant Classification Sherloc (09022015). Collection method: clinical testing. Allele origin: germline.
Comment: This sequence change replaces tyrosine, which is neutral and polar, with histidine, which is basic and polar, at codon 462 of the RYR2 protein (p.Tyr462His). This variant is not present in population databases (gnomAD no frequency). This variant has not been reported in the literature in individuals affected with RYR2-related conditions. Invitae Evidence Modeling of protein sequence and biophysical properties (such as structural, functional, and spatial information, amino acid conservation, physicochemical variation, residue mobility, and thermodynamic stability) indicates that this missense variant is expected to disrupt RYR2 protein function with a positive predictive value of 95%. In summary, the available evidence is currently insufficient to determine the role of this variant in disease. Therefore, it has been classified as a Variant of Uncertain Significance.

NM_001035.3(RYR2):c.1384T>C (p.Tyr462His)

Gene: RYR2 (ryanodine receptor 2; plus strand). Cytogenetic location: 1q43.
Variant type: single nucleotide variant.
Coding change: c.1384T>C on transcript NM_001035.3 (MANE Select); coding-DNA position 1384, T replaced by C.
Protein change: p.Tyr462His; replaces tyrosine 462 with histidine.
Molecular consequence: missense variant.
Genome position (GRCh38, 1-based): chr1:237,454,482, T>C. VCF-style: chr1-237454482-T-C. GRCh37 (hg19) VCF-style: chr1-237617782-T-C.
Other names: short protein forms Y462H.
Identifiers: ClinVar variation 3633780 (VCV003633780.2).